The following is an entry in ClinVar:

NM_001374736.1(DST):c.17268+18C>T

Gene: DST (dystonin; minus strand). Cytogenetic location: 6p12.1.
Variant type: single nucleotide variant.
Coding change: c.17268+18C>T on transcript NM_001374736.1 (MANE Select); 18 bases into the intron after coding-DNA position 17268, C replaced by T.
Molecular consequence: intron variant.
Genome position (GRCh38, 1-based): chr6:56,529,956, G>A on the plus strand (C>T on the coding strand, the complement: DST is on the minus strand). VCF-style: chr6-56529956-G-A. GRCh37 (hg19) VCF-style: chr6-56394754-G-A.
Other names: c.17295+18C>T (NM_001374734.1); c.10497+18C>T (NM_001144770.2); c.10377+18C>T (NM_001374730.1, NM_001386100.1, NM_183380.4); c.16635+18C>T (NM_001374729.1); c.9399+18C>T (NM_015548.5); c.10911+18C>T (NM_001144769.5); c.17268+18C>T (NM_001374722.1).
Identifiers: ClinVar variation 2151132 (VCV002151132.2), dbSNP rs766172907, ClinGen allele CA3867477.

ClinVar aggregate classification (germline): Uncertain significance (1 of 4 stars; one submission).

Conditions:
Hereditary sensory and autonomic neuropathy type 6. Also called: HSAN VI; Neuropathy, hereditary sensory and autonomic, type VI. Identifiers: Orphanet 314381, MedGen C3539003, MONDO:0013839, OMIM 614653.
Epidermolysis bullosa simplex 3, localized or generalized intermediate, with BP230 deficiency (EBS3). Also called: Epidermolysis bullosa simplex due to BP230 deficiency; Epidermolysis bullosa simplex, autosomal recessive 2. Identifiers: Orphanet 412181, MedGen C3809470, MONDO:0014180, OMIM 615425.

Allele frequency attached by ClinVar (database versions not stated): ExAC 0.00001; gnomAD 0.00001; gnomAD exomes 0.00001.
gnomAD v4.1: 9 of 1,611,736 alleles (0.00056%); highest among the groups gnomAD compares: African/African-American, 0.0027%; no homozygotes.

Submission:

Labcorp Genetics (formerly Invitae), Labcorp
Classification: Uncertain significance for Epidermolysis bullosa simplex 3, localized or generalized intermediate, with BP230 deficiency; Hereditary sensory and autonomic neuropathy type 6. Last evaluated: 2022-02-19. Review status: criteria provided, single submitter. Criteria: Invitae Variant Classification Sherloc (09022015). Collection method: clinical testing. Allele origin: germline.
Comment: In summary, the available evidence is currently insufficient to determine the role of this variant in disease. Therefore, it has been classified as a Variant of Uncertain Significance. Experimental studies and prediction algorithms are not available or were not evaluated, and the effect of this variant on mRNA splicing is currently unknown. This variant has not been reported in the literature in individuals affected with DST-related conditions. This variant is present in population databases (rs766172907, gnomAD 0.003%). This sequence change falls in intron 46 of the DST gene. It does not directly change the encoded amino acid sequence of the DST protein. The DST gene has multiple clinically relevant transcripts. This variant occurs in alternate transcript NM_015548.4, and corresponds to NM_001723.5:c.*85561C>T in the primary transcript.